The following is an entry in ClinVar:

NM_001354930.2(RIPK1):c.972T>A (p.Asp324Glu)

Gene: RIPK1 (receptor interacting serine/threonine kinase 1; plus strand). Cytogenetic location: 6p25.2.
Variant type: single nucleotide variant.
Coding change: c.972T>A on transcript NM_001354930.2 (MANE Select); coding-DNA position 972, T replaced by A.
Protein change: p.Asp324Glu; replaces aspartic acid 324 with glutamic acid.
Molecular consequence: missense variant.
Genome position (GRCh38, 1-based): chr6:3,104,281, T>A. VCF-style: chr6-3104281-T-A. GRCh37 (hg19) VCF-style: chr6-3104515-T-A.
Other names: c.483T>A, p.Asp161Glu (NM_001317061.3, NM_001354932.2, NM_001354933.2 and 1 more transcripts); c.834T>A, p.Asp278Glu (NM_001354931.2); c.972T>A, p.Asp324Glu (NM_003804.6); short protein forms D278E, D161E, D324E.
Identifiers: ClinVar variation 4721164 (VCV004721164.1).

ClinVar aggregate classification (germline): Uncertain significance (1 of 4 stars; one submission).

Submission:

Labcorp Genetics (formerly Invitae), Labcorp
Classification: Uncertain significance. Last evaluated: 2025-06-23. Review status: criteria provided, single submitter. Criteria: Invitae Variant Classification Sherloc (09022015). Collection method: clinical testing. Allele origin: germline.
Comment: This sequence change replaces aspartic acid, which is acidic and polar, with glutamic acid, which is acidic and polar, at codon 324 of the RIPK1 protein (p.Asp324Glu). This variant is not present in population databases (gnomAD no frequency). This variant has not been reported in the literature in individuals affected with RIPK1-related conditions. An algorithm developed to predict the effect of missense changes on protein structure and function (PolyPhen-2) suggests that this variant is likely to be disruptive. This variant disrupts the p.Asp324 amino acid residue in RIPK1. Other variant(s) that disrupt this residue have been determined to be pathogenic (PMID: 31827280, 31827281). This suggests that this residue is clinically significant, and that variants that disrupt this residue are likely to be disease-causing. In summary, the available evidence is currently insufficient to determine the role of this variant in disease. Therefore, it has been classified as a Variant of Uncertain Significance.

Literature cited by the submitters: PubMed 31827280; PubMed 31827281.